The following is an entry in ClinVar:

ClinVar aggregate classification (germline): Conflicting classifications of pathogenicity. Review status: criteria provided, conflicting classifications (1 of 4 stars). 2 submissions from 2 submitters: Uncertain significance (1); Likely benign (1). Last evaluated 2025-12-01.

gnomAD v4.1: 88 of 1,613,986 alleles (0.0055%); highest among the groups gnomAD compares: Non-Finnish European, 0.0069%; no homozygotes.

Submissions (2):

CeGaT Center for Human Genetics Tuebingen
Classification: Likely benign. Last evaluated: 2025-12-01. Review status: criteria provided, single submitter. Criteria: CeGaT Center For Human Genetics Tuebingen Variant Classification Criteria Version 2. Collection method: clinical testing. Allele origin: germline. Affected: yes. Observed: 1 variant allele.
Comment: SPTB: BP4

Blueprint Genetics
Classification: Uncertain significance. Last evaluated: 2021-11-29. Review status: criteria provided, single submitter. Criteria: ACMG Guidelines, 2015. Collection method: clinical testing. Allele origin: germline.

NM_001355436.2(SPTB):c.2114C>T (p.Ala705Val)

Gene: SPTB (spectrin beta, erythrocytic; minus strand). Cytogenetic location: 14q23.3.
Variant type: single nucleotide variant.
Coding change: c.2114C>T on transcript NM_001355436.2 (MANE Select); coding-DNA position 2114, C replaced by T.
Protein change: p.Ala705Val; replaces alanine 705 with valine.
Molecular consequence: missense variant.
Genome position (GRCh38, 1-based): chr14:64,793,549, G>A on the plus strand (C>T on the coding strand, the complement: SPTB is on the minus strand). VCF-style: chr14-64793549-G-A. GRCh37 (hg19) VCF-style: chr14-65260267-G-A.
Other names: c.2114C>T, p.Ala705Val (NM_001024858.4, NM_001355437.2); short protein forms A705V.
Identifiers: ClinVar variation 4681462 (VCV004681462.6).